The following is an entry in ClinVar:

ClinVar aggregate classification (germline): Uncertain significance. Review status: criteria provided, multiple submitters, no conflicts (2 of 4 stars). 2 submissions from 2 submitters: Uncertain significance (2). Last evaluated 2023-07-13.

Conditions:
Hereditary cancer-predisposing syndrome. Also called: Hereditary neoplastic syndrome; Tumor predisposition; Neoplastic Syndromes, Hereditary; Hereditary Cancer Syndrome. Identifiers: Orphanet 140162, MedGen C0027672, MeSH D009386, MONDO:0015356.
DICER1-related tumor predisposition. Also called: DICER1 syndrome; DICER1-related pleuropulmonary blastoma cancer predisposition syndrome. Identifiers: Orphanet 284343, MedGen C3839822, MONDO:0100216.

Allele frequency attached by ClinVar (database versions not stated): gnomAD exomes 0.00001.
gnomAD v4.1: 5 of 1,613,786 alleles (0.00031%); highest among the groups gnomAD compares: Non-Finnish European, 0.00042%; no homozygotes.

Submissions (2):

Ambry Genetics
Classification: Uncertain significance for Hereditary cancer-predisposing syndrome. Last evaluated: 2023-07-13. Review status: criteria provided, single submitter. Criteria: Ambry Variant Classification Scheme 2023. Collection method: clinical testing. Allele origin: germline.
Comment: The p.T1289S variant (also known as c.3865A>T), located in coding exon 20 of the DICER1 gene, results from an A to T substitution at nucleotide position 3865. The threonine at codon 1289 is replaced by serine, an amino acid with similar properties. This amino acid position is conserved. In addition, this alteration is predicted to be tolerated by in silico analysis. Since supporting evidence is limited at this time, the clinical significance of this alteration remains unclear.

Labcorp Genetics (formerly Invitae), Labcorp
Classification: Uncertain significance for DICER1-related tumor predisposition. Last evaluated: 2022-06-22. Review status: criteria provided, single submitter. Criteria: Invitae Variant Classification Sherloc (09022015). Collection method: clinical testing. Allele origin: germline.
Comment: Algorithms developed to predict the effect of missense changes on protein structure and function (SIFT, PolyPhen-2, Align-GVGD) all suggest that this variant is likely to be tolerated. ClinVar contains an entry for this variant (Variation ID: 858099). This variant has not been reported in the literature in individuals affected with DICER1-related conditions. This variant is not present in population databases (gnomAD no frequency). Algorithms developed to predict the effect of sequence changes on RNA splicing suggest that this variant may create or strengthen a splice site. In summary, the available evidence is currently insufficient to determine the role of this variant in disease. Therefore, it has been classified as a Variant of Uncertain Significance. This sequence change replaces threonine, which is neutral and polar, with serine, which is neutral and polar, at codon 1289 of the DICER1 protein (p.Thr1289Ser).

NM_177438.3(DICER1):c.3865A>T (p.Thr1289Ser)

Gene: DICER1 (dicer 1, ribonuclease III; minus strand). Cytogenetic location: 14q32.13.
Variant type: single nucleotide variant.
Coding change: c.3865A>T on transcript NM_177438.3 (MANE Select); coding-DNA position 3865, A replaced by T.
Protein change: p.Thr1289Ser; replaces threonine 1289 with serine.
Molecular consequence: missense variant.
Genome position (GRCh38, 1-based): chr14:95,103,531, T>A on the plus strand (A>T on the coding strand, the complement: DICER1 is on the minus strand). VCF-style: chr14-95103531-T-A. GRCh37 (hg19) VCF-style: chr14-95569868-T-A.
Other names: c.3865A>T, p.Thr1289Ser (NM_001195573.1, NM_001271282.3, NM_001291628.2 and 1 more transcripts); short protein forms T1289S.
Identifiers: ClinVar variation 858099 (VCV000858099.14), dbSNP rs1891089097, ClinGen allele CA390873282.